The following is an entry in ClinVar:

NM_001009944.3(PKD1):c.9383_9394del (p.Trp3128_Gly3131del)

Gene: PKD1 (polycystin 1, transient receptor potential channel interacting; minus strand). Cytogenetic location: 16p13.3.
Variant type: Deletion.
Coding change: c.9383_9394del on transcript NM_001009944.3 (MANE Select); coding-DNA positions 9383 to 9394, 12 bases deleted (GGGGCCGGGGCT).
Protein change: p.Trp3128_Gly3131del.
Molecular consequence: inframe deletion.
Genome position (GRCh38, 1-based): chr16:2,102,064-2,102,075, AGCCCCGGCCCC deleted on the plus strand (GGGGCCGGGGCT on the coding strand, the reverse complement: PKD1 is on the minus strand); deleting any 12 consecutive bases within chr16:2,102,064-2,102,079 gives the same sequence; the c. name uses the placement nearest the transcript's 3' end. VCF-style (leftmost placement, unchanged base first): chr16-2102063-GAGCCCCGGCCCC-G. GRCh37 (hg19) VCF-style: chr16-2152064-GAGCCCCGGCCCC-G.
Other names: c.9383_9394del, p.Trp3128_Gly3131del (NM_000296.4); c.9383_9394del12 (NM_001009944.3).
Identifiers: ClinVar variation 3902604 (VCV003902604.1).

ClinVar aggregate classification (germline): Uncertain significance (1 of 4 stars; one submission).

Submission:

Women's Health and Genetics/Laboratory Corporation of America, LabCorp
Classification: Uncertain significance. Last evaluated: 2025-05-01. Review status: criteria provided, single submitter. Criteria: LabCorp Variant Classification Summary - May 2015. Collection method: clinical testing. Allele origin: germline.
Comment: Variant summary: PKD1 c.9383_9394del12 (p.Trp3128_Gly3131del) results in an in-frame deletion that is predicted to remove 4 amino acids from the encoded protein. The variant was absent in 147556 control chromosomes. The available data on variant occurrences in the general population are insufficient to allow any conclusion about variant significance. To our knowledge, no occurrence of c.9383_9394del12 in individuals affected with PKD1-Biallelic Autosomal Recessive Polycystic Kidney Disease and no experimental evidence demonstrating its impact on protein function have been reported. No submitters have cited clinical-significance assessments for this variant to ClinVar. Based on the evidence outlined above, the variant was classified as uncertain significance.